The following is an entry in ClinVar:

ClinVar aggregate classification (germline): Pathogenic (1 of 4 stars; one submission).

Conditions:
Hereditary nonpolyposis colorectal neoplasms. Identifiers: MedGen C0009405, MeSH D003123.

Submission:

Labcorp Genetics (formerly Invitae), Labcorp
Classification: Pathogenic for Hereditary nonpolyposis colorectal neoplasms. Last evaluated: 2021-06-21. Review status: criteria provided, single submitter. Criteria: Invitae Variant Classification Sherloc (09022015). Collection method: clinical testing. Allele origin: germline.
Comment: This variant has not been reported in the literature in individuals with PMS2-related conditions. This variant is not present in population databases (ExAC no frequency). This sequence change creates a premature translational stop signal (p.Gln244Hisfs*14) in the PMS2 gene. It is expected to result in an absent or disrupted protein product. Loss-of-function variants in PMS2 are known to be pathogenic (PMID: 21376568, 24362816). For these reasons, this variant has been classified as Pathogenic.

Literature cited by the submitters: PubMed 21376568; PubMed 24362816.

NM_000535.7(PMS2):c.732del (p.Gln244fs)

Gene: PMS2 (PMS1 homolog 2, mismatch repair system component; minus strand). Cytogenetic location: 7p22.1.
Variant type: Deletion.
Coding change: c.732del on transcript NM_000535.7 (MANE Select); coding-DNA position 732, one base deleted (G; older notation c.732delG).
Protein change: p.Gln244fs; shifts the reading frame from glutamine 244.
Molecular consequence: frameshift variant. On other transcripts: 5 prime UTR variant (2), non-coding transcript variant (1).
Genome position (GRCh38, 1-based): chr7:5,997,397, C deleted on the plus strand (G on the coding strand, the reverse complement: PMS2 is on the minus strand). VCF-style (leftmost placement, unchanged base first): chr7-5997396-GC-G. GRCh37 (hg19) VCF-style: chr7-6037027-GC-G.
Other names: c.327del, p.Gln109fs (NM_001322003.2, NM_001322004.2, NM_001322005.2 and 2 more transcripts); c.732del, p.Gln244fs (NM_001322006.2, NM_001322014.2); c.414del, p.Gln138fs (NM_001322007.2, NM_001322008.2); c.-202del (NM_001322011.2, NM_001322012.2); c.159del, p.Gln53fs (NM_001322013.2); c.423del, p.Gln141fs (NM_001322015.2); short protein forms Q244fs, Q53fs, Q138fs, Q141fs, Q109fs.
Identifiers: ClinVar variation 1456296 (VCV001456296.6), dbSNP rs2128788235, ClinGen allele CA2573141937.